The following is an entry in ClinVar:

NM_007198.4(PLPBP):c.44G>A (p.Cys15Tyr)

Genes: PLPBP (pyridoxal phosphate binding protein; plus strand), LOC113788277 (Sharpr-MPRA regulatory region 13802; plus strand). Cytogenetic location: 8p11.23.
Variant type: single nucleotide variant.
Coding change: c.44G>A on transcript NM_007198.4 (MANE Select); coding-DNA position 44, G replaced by A.
Protein change: p.Cys15Tyr; replaces cysteine 15 with tyrosine.
Molecular consequence: missense variant. On other transcripts: intron variant (1).
Genome position (GRCh38, 1-based): chr8:37,762,703, G>A. VCF-style: chr8-37762703-G-A. GRCh37 (hg19) VCF-style: chr8-37620221-G-A.
Other names: c.44G>A, p.Cys15Tyr (NM_001349346.2, NM_001349347.2); c.149G>A, p.Cys50Tyr (NM_001349349.1); c.-58+3G>A (NM_001349348.2); c.44G>A (NM_007198.3); short protein forms C15Y, C50Y.
Identifiers: ClinVar variation 2189865 (VCV002189865.5), dbSNP rs151283151, ClinGen allele CA4711097.

ClinVar aggregate classification (germline): Conflicting classifications of pathogenicity. Review status: criteria provided, conflicting classifications (1 of 4 stars). 2 submissions from 2 submitters: Uncertain significance (1); Likely benign (1). Last evaluated 2025-11-08.

Conditions:
Inborn genetic diseases. Identifiers: MedGen C0950123, MeSH D030342.

Allele frequency attached by ClinVar (database versions not stated): ESP Exome Variant Server 0.00047.
gnomAD v4.1: 192 of 1,591,188 alleles (0.012%); highest among the groups gnomAD compares: Admixed American, 0.0035%; no homozygotes.

Submissions (2):

Labcorp Genetics (formerly Invitae), Labcorp
Classification: Likely benign. Last evaluated: 2025-11-08. Review status: criteria provided, single submitter. Criteria: Invitae Variant Classification Sherloc (09022015). Collection method: clinical testing. Allele origin: germline.

Ambry Genetics
Classification: Uncertain significance for Inborn genetic diseases. Last evaluated: 2020-12-07. Review status: criteria provided, single submitter. Criteria: Ambry Variant Classification Scheme 2023. Collection method: clinical testing. Allele origin: germline.
Comment: The c.44G>A (p.C15Y) alteration is located in exon 1 (coding exon 1) of the PROSC gene. This alteration results from a G to A substitution at nucleotide position 44, causing the cysteine (C) at amino acid position 15 to be replaced by a tyrosine (Y). The p.C15Y alteration is predicted to be tolerated by in silico analysis. Based on insufficient or conflicting evidence, the clinical significance of this alteration remains unclear.